The following is an entry in ClinVar:

ClinVar aggregate classification (germline): Conflicting classifications of pathogenicity. Review status: criteria provided, conflicting classifications (1 of 4 stars). 5 submissions from 5 submitters: Pathogenic (1); Likely pathogenic (2); Uncertain significance (1). 1 of the submissions does not count toward it. Last evaluated 2025-06-09.

Conditions:
Marfan syndrome (MFS). Also called: MARFAN SYNDROME, TYPE I; FBN1-Related Marfan Syndrome; Marfan syndrome type 1; Marfan's syndrome; Marfan syndrome, classic. Identifiers: Orphanet 284963, Orphanet 558, MedGen C0024796, MONDO:0007947, OMIM 154700.
Familial thoracic aortic aneurysm and aortic dissection (TAAD). Also called: Thoracic aortic aneurysms and dissections. Identifiers: Orphanet 91387, MedGen C4707243, MONDO:0019625.

Submissions (5):

Labcorp Genetics (formerly Invitae), Labcorp
Classification: Pathogenic for Marfan syndrome; Familial thoracic aortic aneurysm and aortic dissection. Last evaluated: 2025-06-09. Review status: criteria provided, single submitter. Criteria: Invitae Variant Classification Sherloc (09022015). Collection method: clinical testing. Allele origin: germline.
Comment: This sequence change falls in intron 63 of the FBN1 gene. It does not directly change the encoded amino acid sequence of the FBN1 protein. It affects a nucleotide within the consensus splice site. This variant is not present in population databases (gnomAD no frequency). This variant has been observed in individuals with Marfan syndrome (PMID: 21542060; internal data). ClinVar contains an entry for this variant (Variation ID: 495653). Variants that disrupt the consensus splice site are a relatively common cause of aberrant splicing (PMID: 17576681, 9536098). Algorithms developed to predict the effect of sequence changes on RNA splicing suggest that this variant may disrupt the consensus splice site. For these reasons, this variant has been classified as Pathogenic.

Ambry Genetics
Classification: Likely pathogenic for Familial thoracic aortic aneurysm and aortic dissection. Last evaluated: 2024-12-20. Review status: criteria provided, single submitter. Criteria: Ambry Variant Classification Scheme 2023. Collection method: clinical testing. Allele origin: germline.
Comment: The c.7819+3A>C intronic alteration results from an A to C substitution 3 nucleotides after exon 63 (coding exon 62) of the FBN1 gene. This variant was not reported in population-based cohorts in the Genome Aggregation Database (gnomAD). This variant was reported in individual(s) with features consistent with Marfan syndrome and related fibrillinopathies (Baetens, 2011; Meester, 2022; external communication). This nucleotide position is not well conserved in available vertebrate species. In silico splice site analysis predicts that this variant will weaken the native splice donor site. Based on the available evidence, this alteration is classified as likely pathogenic.

Centre of Medical Genetics, University of Antwerp
Classification: Likely pathogenic for Marfan syndrome. Last evaluated: 2021-03-01. Review status: criteria provided, single submitter. Criteria: Submitter's publication. Collection method: research. Allele origin: unknown. Affected: yes. Observed: 3 variant alleles.
Comment: PM2, PP6, PP1-M, PP4

Women's Health and Genetics/Laboratory Corporation of America, LabCorp
Classification: Uncertain significance. Last evaluated: 2017-06-07. Review status: criteria provided, single submitter. Criteria: LabCorp Variant Classification Summary - May 2015. Collection method: clinical testing. Allele origin: germline.
Comment: Variant summary: The c.7819+3A>C in a FBN1 gene is an intronic variant that alters a conserved nucleotide. 3/5 in silico tools via Alamut predict this variant to weaken a donor site, however, functional studies have yet to be done to confirm those predictions. The variant has been reported in at least one affected individual with a confirmed diagnosis of Classic Marfan Syndrome and at least two individuals with suspected Marfan syndrome (internal data). The variant is absent from large population datasets of ExAC and gnomAD (~121262 and 245694 chromosomes tested, respectively). Taken together, the variant was classified as a "Variant of Uncertain Significance - Possibly Pathogenic."

Center for Medical Genetics Ghent, University of Ghent
Classification: Uncertain significance for Marfan syndrome. Last evaluated: 2017-11-07. Review status: no assertion criteria provided. Collection method: clinical testing. Allele origin: germline. Affected: yes. Not counted in ClinVar's aggregate classification.

Literature cited by the submitters: PubMed 21542060 (cited by 3 submitters); PubMed 17576681 (cited by Labcorp Genetics (formerly Invitae), Labcorp); PubMed 9536098 (cited by Labcorp Genetics (formerly Invitae), Labcorp); PubMed 35058154 (cited by Ambry Genetics).

NM_000138.5(FBN1):c.7819+3A>C

Gene: FBN1 (fibrillin 1; minus strand). Cytogenetic location: 15q21.1.
Variant type: single nucleotide variant.
Coding change: c.7819+3A>C on transcript NM_000138.5 (MANE Select); 3 bases into the intron after coding-DNA position 7819, A replaced by C.
Molecular consequence: intron variant.
Genome position (GRCh38, 1-based): chr15:48,420,684, T>G on the plus strand (A>C on the coding strand, the complement: FBN1 is on the minus strand). VCF-style: chr15-48420684-T-G. GRCh37 (hg19) VCF-style: chr15-48712881-T-G.
Identifiers: ClinVar variation 495653 (VCV000495653.27), dbSNP rs1555394135, ClinGen allele CA658683891.